The following is an entry in ClinVar:

NM_000441.2(SLC26A4):c.812A>G (p.Asp271Gly)

Gene: SLC26A4 (solute carrier family 26 member 4; plus strand). Cytogenetic location: 7q22.3.
Variant type: single nucleotide variant.
Coding change: c.812A>G on transcript NM_000441.2 (MANE Select); coding-DNA position 812, A replaced by G.
Protein change: p.Asp271Gly; replaces aspartic acid 271 with glycine.
Molecular consequence: missense variant.
Genome position (GRCh38, 1-based): chr7:107,683,248, A>G. VCF-style: chr7-107683248-A-G. GRCh37 (hg19) VCF-style: chr7-107323693-A-G.
Other names: c.812A>G (NM_000441.1); short protein forms D271G.
Identifiers: ClinVar variation 1297069 (VCV001297069.2), dbSNP rs2129314461, ClinGen allele CA368835165.

ClinVar aggregate classification (germline): Likely pathogenic. Review status: criteria provided, single submitter (1 of 4 stars). 2 submissions from 2 submitters: Likely pathogenic (1). 1 of the submissions does not count toward it. Last evaluated 2023-08-09.

Conditions:
Autosomal recessive nonsyndromic hearing loss 4 (DFNB4). Also called: NEUROSENSORY NONSYNDROMIC RECESSIVE DEAFNESS 4; FOXI1-Related Pendred Syndrome; KCNJ10-Related Pendred Syndrome; DEAFNESS, AUTOSOMAL RECESSIVE 4, WITH ENLARGED VESTIBULAR AQUEDUCT, DIGENIC; Deafness, autosomal recessive 4; Nonsyndromic enlarged vestibular aqueduct (NSEVA). Identifiers: Orphanet 90636, MedGen C3538946, MONDO:0010933, OMIM 600791.

Allele frequency attached by ClinVar (database versions not stated): gnomAD exomes below 0.00001.
gnomAD v4.1: 2 of 1,612,970 alleles (0.00012%); highest among the groups gnomAD compares: Non-Finnish European, 0.00017%; no homozygotes.

Submissions (2):

GeneDx
Classification: Likely pathogenic. Last evaluated: 2023-08-09. Review status: criteria provided, single submitter. Criteria: GeneDx Variant Classification Process June 2021. Collection method: clinical testing. Allele origin: germline. Affected: yes.
Comment: Not observed at significant frequency in large population cohorts (gnomAD); In silico analysis supports that this missense variant has a deleterious effect on protein structure/function; This variant is associated with the following publications: (PMID: 30275481, 27704564, 27771369, 33907123, 17718863)

Deafness Molecular Diagnostic Center, Chinese PLA General Hospital
Classification: Pathogenic for Autosomal recessive nonsyndromic hearing loss 4. Review status: no assertion criteria provided. Collection method: case-control. Allele origin: maternal. Affected: yes. Not counted in ClinVar's aggregate classification.